The following is an entry in ClinVar:

NM_000875.5(IGF1R):c.2782+29_2782+30insAAAACTGAAAGCAGGGTGGTCCAGGATCAGGACAGCTATGTCCAGGCCAAAAGTAAGGCTTGTGGAGGGAGAAGAAACGTG

Gene: IGF1R (insulin like growth factor 1 receptor; plus strand). Cytogenetic location: 15q26.3.
Variant type: Insertion.
Coding change: c.2782+29_2782+30insAAAACTGAAAGCAGGGTGGTCCAGGATCAGGACAGCTATGTCCAGGCCAAAAGTAAGGCTTGTGGAGGGAGAAGAAACGTG on transcript NM_000875.5 (MANE Select); bases 29 to 30 of the intron after coding-DNA position 2782, AAAACTGAAAGCAGGGTGGTCCAGGATCAGGACAGCTATGTCCAGGCCAAAAGTAAGGCTTGTGGAGGGAGAAGAAACGTG inserted.
Molecular consequence: splice donor variant.
Genome position: GRCh38: chr15:98,924,713-98,924,714. GRCh37 (hg19): chr15:99,467,942-99,467,943.
Other names: c.2782+29_2782+30insAAAACTGAAAGCAGGGTGGTCCAGGATCAGGACAGCTATGTCCAGGCCAAAAGTAAGGCTTGTGGAGGGAGAAGAAACGTG (NM_001291858.2).
Identifiers: ClinVar variation 5017945 (VCV005017945.1).

ClinVar aggregate classification (germline): Uncertain significance (1 of 4 stars; one submission).

Submission:

GeneDx
Classification: Uncertain significance. Last evaluated: 2026-03-31. Review status: criteria provided, single submitter. Criteria: GeneDx Variant Classification Process June 2021. Collection method: clinical testing. Allele origin: germline.
Comment: Not observed at significant frequency in large population cohorts (gnomAD); In silico analysis suggests this variant may impact gene splicing. In the absence of RNA/functional studies, the actual effect of this sequence change is unknown.; Has not been previously published as pathogenic or benign to our knowledge